The following is an entry in ClinVar:

ClinVar aggregate classification (germline): Uncertain significance (1 of 4 stars; one submission).

Conditions:
Neurofibromatosis, type 1 (NF1). Also called: Neurofibromatosis, type I; Peripheral type neurofibromatosis; NEUROFIBROMATOSIS, TYPE I, SOMATIC; VON RECKLINGHAUSEN DISEASE. Identifiers: Orphanet 636, MedGen C0027831, MONDO:0018975, OMIM 162200. Disease mechanism: loss of function.

Submission:

Labcorp Genetics (formerly Invitae), Labcorp
Classification: Uncertain significance for Neurofibromatosis, type 1. Last evaluated: 2022-06-03. Review status: criteria provided, single submitter. Criteria: Invitae Variant Classification Sherloc (09022015). Collection method: clinical testing. Allele origin: germline.
Comment: This sequence change replaces leucine, which is neutral and non-polar, with valine, which is neutral and non-polar, at codon 923 of the NF1 protein (p.Leu923Val). This variant is not present in population databases (gnomAD no frequency). This variant has not been reported in the literature in individuals affected with NF1-related conditions. Algorithms developed to predict the effect of missense changes on protein structure and function are either unavailable or do not agree on the potential impact of this missense change (SIFT: "Tolerated"; PolyPhen-2: "Probably Damaging"; Align-GVGD: "Class C0"). In summary, the available evidence is currently insufficient to determine the role of this variant in disease. Therefore, it has been classified as a Variant of Uncertain Significance.

NM_001042492.3(NF1):c.2767C>G (p.Leu923Val)

Gene: NF1 (neurofibromin 1; plus strand). Cytogenetic location: 17q11.2.
Variant type: single nucleotide variant.
Coding change: c.2767C>G on transcript NM_001042492.3 (MANE Select); coding-DNA position 2767, C replaced by G.
Protein change: p.Leu923Val; replaces leucine 923 with valine.
Molecular consequence: missense variant.
Genome position (GRCh38, 1-based): chr17:31,229,382, C>G. VCF-style: chr17-31229382-C-G. GRCh37 (hg19) VCF-style: chr17-29556400-C-G.
Other names: c.2767C>G, p.Leu923Val (NM_000267.4); short protein forms L923V.
Identifiers: ClinVar variation 1995197 (VCV001995197.4), dbSNP rs1567849138, ClinGen allele CA398985470.